The following is an entry in ClinVar:

ClinVar aggregate classification (germline): Uncertain significance. Review status: criteria provided, multiple submitters, no conflicts (2 of 4 stars). 2 submissions from 2 submitters: Uncertain significance (2). Last evaluated 2024-05-05.

Conditions:
Hereditary cancer-predisposing syndrome. Also called: Tumor predisposition; Neoplastic Syndromes, Hereditary; Hereditary Cancer Syndrome; Hereditary neoplastic syndrome. Identifiers: Orphanet 140162, MedGen C0027672, MeSH D009386, MONDO:0015356.

Submissions (2):

Labcorp Genetics (formerly Invitae), Labcorp
Classification: Uncertain significance. Last evaluated: 2024-05-05. Review status: criteria provided, single submitter. Criteria: Invitae Variant Classification Sherloc (09022015). Collection method: clinical testing. Allele origin: germline.
Comment: This sequence change replaces threonine, which is neutral and polar, with lysine, which is basic and polar, at codon 528 of the POLE protein (p.Thr528Lys). This variant is not present in population databases (gnomAD no frequency). This variant has not been reported in the literature in individuals affected with POLE-related conditions. ClinVar contains an entry for this variant (Variation ID: 2082886). Advanced modeling of protein sequence and biophysical properties (such as structural, functional, and spatial information, amino acid conservation, physicochemical variation, residue mobility, and thermodynamic stability) performed at Invitae indicates that this missense variant is expected to disrupt POLE protein function with a positive predictive value of 80%. In summary, the available evidence is currently insufficient to determine the role of this variant in disease. Therefore, it has been classified as a Variant of Uncertain Significance.

Ambry Genetics
Classification: Uncertain significance for Hereditary cancer-predisposing syndrome. Last evaluated: 2023-10-08. Review status: criteria provided, single submitter. Criteria: Ambry Variant Classification Scheme 2023. Collection method: clinical testing. Allele origin: germline.
Comment: The p.T528K variant (also known as c.1583C>A), located in coding exon 15 of the POLE gene, results from a C to A substitution at nucleotide position 1583. The threonine at codon 528 is replaced by lysine, an amino acid with similar properties. This amino acid position is conserved. In addition, the in silico prediction for this alteration is inconclusive. Since supporting evidence is limited at this time, the clinical significance of this alteration remains unclear.

NM_006231.4(POLE):c.1583C>A (p.Thr528Lys)

Gene: POLE (DNA polymerase epsilon, catalytic subunit; minus strand). Cytogenetic location: 12q24.33.
Variant type: single nucleotide variant.
Coding change: c.1583C>A on transcript NM_006231.4 (MANE Select); coding-DNA position 1583, C replaced by A.
Protein change: p.Thr528Lys; replaces threonine 528 with lysine.
Molecular consequence: missense variant.
Genome position (GRCh38, 1-based): chr12:132,672,730, G>T on the plus strand (C>A on the coding strand, the complement: POLE is on the minus strand). VCF-style: chr12-132672730-G-T. GRCh37 (hg19) VCF-style: chr12-133249316-G-T.
Other names: c.1583C>A (NM_006231.2); short protein forms T528K.
Identifiers: ClinVar variation 2082886 (VCV002082886.5), dbSNP rs116263919, ClinGen allele CA387356934.